The following is an entry in ClinVar:

NM_004260.4(RECQL4):c.1879-3C>T

Gene: RECQL4 (RecQ like helicase 4; minus strand). Cytogenetic location: 8q24.3.
Variant type: single nucleotide variant.
Coding change: c.1879-3C>T on transcript NM_004260.4 (MANE Select); 3 bases into the intron before coding-DNA position 1879, C replaced by T.
Molecular consequence: intron variant.
Genome position (GRCh38, 1-based): chr8:144,514,110, G>A on the plus strand (C>T on the coding strand, the complement: RECQL4 is on the minus strand). VCF-style: chr8-144514110-G-A. GRCh37 (hg19) VCF-style: chr8-145739494-G-A.
Identifiers: ClinVar variation 1054672 (VCV001054672.2), dbSNP rs773289669, ClinGen allele CA1826367317.

ClinVar aggregate classification (germline): Uncertain significance (1 of 4 stars; one submission).

Conditions:
Baller-Gerold syndrome (BGS). Also called: CRANIOSYNOSTOSIS WITH RADIAL DEFECTS. Identifiers: Orphanet 1225, MedGen C0265308, MONDO:0009039, OMIM 218600.

Allele frequency attached by ClinVar (database versions not stated): TOPMed 0.00001.
gnomAD v4.1: 1 of 1,607,720 alleles (0.000062%); highest among the groups gnomAD compares: Non-Finnish European, 0.000085%; no homozygotes.

Submission:

Labcorp Genetics (formerly Invitae), Labcorp
Classification: Uncertain significance for Baller-Gerold syndrome. Last evaluated: 2020-11-15. Review status: criteria provided, single submitter. Criteria: Invitae Variant Classification Sherloc (09022015). Collection method: clinical testing. Allele origin: germline.
Comment: This sequence change falls in intron 11 of the RECQL4 gene. It does not directly change the encoded amino acid sequence of the RECQL4 protein, but it affects a nucleotide within the consensus splice site of the intron. This variant is not present in population databases (ExAC no frequency). This variant has not been reported in the literature in individuals with RECQL4-related conditions. Experimental studies and prediction algorithms are not available or were not evaluated, and the functional significance of this variant is currently unknown. Nucleotide substitutions within the consensus splice site are a relatively common cause of aberrant splicing (PMID: 17576681, 9536098). In summary, the available evidence is currently insufficient to determine the role of this variant in disease. Therefore, it has been classified as a Variant of Uncertain Significance.

Literature cited by the submitters: PubMed 17576681; PubMed 9536098.